The following is an entry in ClinVar:

ClinVar aggregate classification (germline): Uncertain significance. Review status: criteria provided, multiple submitters, no conflicts (2 of 4 stars). 4 submissions from 4 submitters: Uncertain significance (3). 1 of the submissions does not count toward it. Last evaluated 2024-06-12.

Conditions:
Hereditary cancer-predisposing syndrome. Also called: Neoplastic Syndromes, Hereditary; Hereditary Cancer Syndrome; Hereditary neoplastic syndrome; Tumor predisposition. Identifiers: Orphanet 140162, MedGen C0027672, MeSH D009386, MONDO:0015356.
Familial cancer of breast. Also called: Hereditary breast cancer; hereditary breast carcinoma; BREAST CANCER, FAMILIAL. Identifiers: Orphanet 227535, MedGen C0346153, MONDO:0016419, OMIM 114480. Disease mechanism: loss of function.
Ataxia-telangiectasia syndrome (AT). Also called: Cerebello-oculocutaneous telangiectasia; Immunodeficiency with ataxia telangiectasia; Ataxia-telangiectasia, complementation group D; AT, COMPLEMENTATION GROUP C; ATAXIA-TELANGIECTASIA, FRESNO VARIANT; ATAXIA-TELANGIECTASIA, COMPLEMENTATION GROUP A. Identifiers: Orphanet 100, MedGen C0004135, MONDO:0008840, OMIM 208900.

Allele frequency attached by ClinVar (database versions not stated): gnomAD exomes below 0.00001; gnomAD 0.00001.
gnomAD v4.1: 2 of 1,613,746 alleles (0.00012%); highest among the groups gnomAD compares: Non-Finnish European, 0.00017%; no homozygotes.

Submissions (4):

Labcorp Genetics (formerly Invitae), Labcorp
Classification: Uncertain significance for Ataxia-telangiectasia syndrome. Last evaluated: 2024-06-12. Review status: criteria provided, single submitter. Criteria: Invitae Variant Classification Sherloc (09022015). Collection method: clinical testing. Allele origin: germline.
Comment: This sequence change replaces lysine, which is basic and polar, with glutamic acid, which is acidic and polar, at codon 147 of the ATM protein (p.Lys147Glu). This variant is present in population databases (rs587782509, gnomAD 0.007%). This variant has not been reported in the literature in individuals affected with ATM-related conditions. ClinVar contains an entry for this variant (Variation ID: 142507). An algorithm developed to predict the effect of missense changes on protein structure and function (PolyPhen-2) suggests that this variant is likely to be disruptive. In summary, the available evidence is currently insufficient to determine the role of this variant in disease. Therefore, it has been classified as a Variant of Uncertain Significance.

Baylor Genetics
Classification: Uncertain significance for Familial cancer of breast. Last evaluated: 2023-08-22. Review status: criteria provided, single submitter. Criteria: ACMG Guidelines, 2015. Collection method: clinical testing. Allele origin: unknown.

Ambry Genetics
Classification: Uncertain significance for Hereditary cancer-predisposing syndrome. Last evaluated: 2022-07-06. Review status: criteria provided, single submitter. Criteria: Ambry Variant Classification Scheme 2023. Collection method: clinical testing. Allele origin: germline.
Comment: The p.K147E variant (also known as c.439A>G), located in coding exon 4 of the ATM gene, results from an A to G substitution at nucleotide position 439. The lysine at codon 147 is replaced by glutamic acid, an amino acid with similar properties. This variant was observed in an individual with early onset-breast cancer amongst a cohort of 1781 non-Ashkenazi Jewish individuals undergoing BRCA1/2 gene testing based on a personal history of breast cancer (Tung N et al. Cancer, 2015 Jan;121:25-33). This amino acid position is highly conserved in available vertebrate species. In addition, this alteration is predicted to be deleterious by in silico analysis. Since supporting evidence is limited at this time, the clinical significance of this alteration remains unclear.

Natera, Inc.
Classification: Uncertain significance for Ataxia-telangiectasia. Last evaluated: 2020-10-31. Review status: no assertion criteria provided. Collection method: clinical testing. Allele origin: germline. Not counted in ClinVar's aggregate classification.

Literature cited by the submitters: PubMed 25186627 (cited by Ambry Genetics).

NM_000051.4(ATM):c.439A>G (p.Lys147Glu)

Gene: ATM (ATM serine/threonine kinase; plus strand). Cytogenetic location: 11q22.3.
Variant type: single nucleotide variant.
Coding change: c.439A>G on transcript NM_000051.4 (MANE Select); coding-DNA position 439, A replaced by G.
Protein change: p.Lys147Glu; replaces lysine 147 with glutamic acid.
Molecular consequence: missense variant.
Genome position (GRCh38, 1-based): chr11:108,235,777, A>G. VCF-style: chr11-108235777-A-G. GRCh37 (hg19) VCF-style: chr11-108106504-A-G.
Other names: c.439A>G, p.Lys147Glu (NM_001351834.2); short protein forms K147E.
Identifiers: ClinVar variation 142507 (VCV000142507.21), dbSNP rs587782509, ClinGen allele CA168545.